The following is an entry in ClinVar:

ClinVar aggregate classification (germline): Uncertain significance (1 of 4 stars; one submission).

Conditions:
Acrocallosal syndrome (ACLS). Also called: Schinzel syndrome 1; Absence of corpus callosum with unusual facial appearance, mental deficiency, duplication of the halluces and polydactyly; HALLUX DUPLICATION, POSTAXIAL POLYDACTYLY, AND ABSENCE OF CORPUS CALLOSUM. Identifiers: Orphanet 36, MedGen C0796147, MONDO:0008708, OMIM 200990.

Allele frequency attached by ClinVar (database versions not stated): gnomAD exomes below 0.00001.
gnomAD v4.1: 1 of 1,369,360 alleles (0.000073%); highest among the groups gnomAD compares: Admixed American, 0.0031%; no homozygotes.

Submission:

Labcorp Genetics (formerly Invitae), Labcorp
Classification: Uncertain significance for Acrocallosal syndrome. Last evaluated: 2022-03-20. Review status: criteria provided, single submitter. Criteria: Invitae Variant Classification Sherloc (09022015). Collection method: clinical testing. Allele origin: germline.
Comment: This sequence change replaces arginine, which is basic and polar, with glycine, which is neutral and non-polar, at codon 383 of the KIF7 protein (p.Arg383Gly). This variant is not present in population databases (gnomAD no frequency). This variant has not been reported in the literature in individuals affected with KIF7-related conditions. In summary, the available evidence is currently insufficient to determine the role of this variant in disease. Therefore, it has been classified as a Variant of Uncertain Significance. Algorithms developed to predict the effect of missense changes on protein structure and function are either unavailable or do not agree on the potential impact of this missense change (SIFT: "Deleterious"; PolyPhen-2: "Probably Damaging"; Align-GVGD: "Class C0").

NM_198525.3(KIF7):c.1147C>G (p.Arg383Gly)

Gene: KIF7 (kinesin family member 7; minus strand). Cytogenetic location: 15q26.1.
Variant type: single nucleotide variant.
Coding change: c.1147C>G on transcript NM_198525.3 (MANE Select); coding-DNA position 1147, C replaced by G.
Protein change: p.Arg383Gly; replaces arginine 383 with glycine.
Molecular consequence: missense variant.
Genome position (GRCh38, 1-based): chr15:89,648,551, G>C on the plus strand (C>G on the coding strand, the complement: KIF7 is on the minus strand). VCF-style: chr15-89648551-G-C. GRCh37 (hg19) VCF-style: chr15-90191782-G-C.
Other names: short protein forms R383G.
Identifiers: ClinVar variation 1394065 (VCV001394065.6), dbSNP rs2142028875, ClinGen allele CA393772212.